The following is an entry in ClinVar:

NM_000430.4(PAFAH1B1):c.253C>T (p.Leu85Phe)

Gene: PAFAH1B1 (platelet activating factor acetylhydrolase 1b regulatory subunit 1; plus strand). Cytogenetic location: 17p13.3.
Variant type: single nucleotide variant.
Coding change: c.253C>T on transcript NM_000430.4 (MANE Select); coding-DNA position 253, C replaced by T.
Protein change: p.Leu85Phe; replaces leucine 85 with phenylalanine.
Molecular consequence: missense variant.
Genome position (GRCh38, 1-based): chr17:2,667,052, C>T. VCF-style: chr17-2667052-C-T. GRCh37 (hg19) VCF-style: chr17-2570346-C-T.
Other names: short protein forms L85F.
Identifiers: ClinVar variation 1429939 (VCV001429939.8), dbSNP rs139434124, ClinGen allele CA8283157.
Genomic context (GRCh38, chr17:2,667,052, plus strand): 5'-GTTATGGAATTAGAATCAAAGCTAAATGAAGCAAAAGAAGAATTTACGTCAGGTGGACCT[C>T]TTGGTCAGAAACGAGACCCAAAAGAATGGATTCCCCGTCCGCCAGAAAAATATGCATTGA-3'
Protein context (NP_000421.1, residues 75-95): AKEEFTSGGP[Leu85Phe]GQKRDPKEWI

ClinVar aggregate classification (germline): Uncertain significance (1 of 4 stars; one submission).

Allele frequency attached by ClinVar (database versions not stated): gnomAD exomes below 0.00001; gnomAD 0.00002; ESP Exome Variant Server 0.00015; ExAC 0.00001; TOPMed 0.00001.
gnomAD v4.1: 3 of 1,613,874 alleles (0.00019%); highest among the groups gnomAD compares: African/African-American, 0.004%; no homozygotes.

Submission:

Labcorp Genetics (formerly Invitae), Labcorp
Classification: Uncertain significance. Last evaluated: 2023-10-13. Review status: criteria provided, single submitter. Criteria: Invitae Variant Classification Sherloc (09022015). Collection method: clinical testing. Allele origin: germline.
Comment: This sequence change replaces leucine, which is neutral and non-polar, with phenylalanine, which is neutral and non-polar, at codon 85 of the PAFAH1B1 protein (p.Leu85Phe). This variant is present in population databases (rs139434124, gnomAD 0.01%). This variant has not been reported in the literature in individuals affected with PAFAH1B1-related conditions. ClinVar contains an entry for this variant (Variation ID: 1429939). An algorithm developed to predict the effect of missense changes on protein structure and function (PolyPhen-2) suggests that this variant is likely to be tolerated. In summary, the available evidence is currently insufficient to determine the role of this variant in disease. Therefore, it has been classified as a Variant of Uncertain Significance.